The following is an entry in ClinVar:

NM_001395413.1(POR):c.758T>C (p.Ile253Thr)

Gene: POR (cytochrome p450 oxidoreductase; plus strand). Cytogenetic location: 7q11.23.
Variant type: single nucleotide variant.
Coding change: c.758T>C on transcript NM_001395413.1 (MANE Select); coding-DNA position 758, T replaced by C.
Protein change: p.Ile253Thr; replaces isoleucine 253 with threonine.
Molecular consequence: missense variant.
Genome position (GRCh38, 1-based): chr7:75,982,259, T>C. VCF-style: chr7-75982259-T-C. GRCh37 (hg19) VCF-style: chr7-75611577-T-C.
Other names: c.767T>C (NM_000941.2); c.758T>C, p.Ile253Thr (NM_001367562.3, NM_001382657.2, NM_001382658.3 and 2 more transcripts); c.812T>C, p.Ile271Thr (NM_001382655.3); short protein forms I253T, I271T.
Identifiers: ClinVar variation 4995271 (VCV004995271.1).

ClinVar aggregate classification (germline): Uncertain significance (1 of 4 stars; one submission).

Conditions:
POR-related disorder. Also called: POR-related condition.

Submission:

PreventionGenetics, part of Exact Sciences
Classification: Uncertain significance for POR-related condition. Last evaluated: 2026-08-25. Review status: criteria provided, single submitter. Criteria: ACMG Guidelines, 2015. Collection method: clinical testing. Allele origin: germline.
Comment: The POR c.767T>C variant is predicted to result in the amino acid substitution p.Ile256Thr. To our knowledge, this variant has not been reported in the literature or in a large population database (gnomAD), indicating this variant is rare. At this time, the clinical significance of this variant is uncertain due to the absence of conclusive functional and genetic evidence.